The following is an entry in ClinVar:

ClinVar aggregate classification (germline): Likely pathogenic (1 of 4 stars; one submission).

Allele frequency attached by ClinVar (database versions not stated): gnomAD exomes 0.00001.
gnomAD v4.1: 10 of 1,614,062 alleles (0.00062%); highest among the groups gnomAD compares: Non-Finnish European, 0.00085%; no homozygotes.

Submission:

Labcorp Genetics (formerly Invitae), Labcorp
Classification: Likely pathogenic. Last evaluated: 2023-04-15. Review status: criteria provided, single submitter. Criteria: Invitae Variant Classification Sherloc (09022015). Collection method: clinical testing. Allele origin: germline.
Comment: This variant is not present in population databases (gnomAD no frequency). This sequence change replaces glycine, which is neutral and non-polar, with glutamic acid, which is acidic and polar, at codon 216 of the SLC12A3 protein (p.Gly216Glu). This missense change has been observed in individuals with Gitelman syndrome (PMID: 21415153, 31672324). In summary, the currently available evidence indicates that the variant is pathogenic, but additional data are needed to prove that conclusively. Therefore, this variant has been classified as Likely Pathogenic. Advanced modeling of protein sequence and biophysical properties (such as structural, functional, and spatial information, amino acid conservation, physicochemical variation, residue mobility, and thermodynamic stability) performed at Invitae indicates that this missense variant is expected to disrupt SLC12A3 protein function.

Literature cited by the submitters: PubMed 21415153; PubMed 31672324.

NM_001126108.2(SLC12A3):c.647G>A (p.Gly216Glu)

Gene: SLC12A3 (solute carrier family 12 member 3; plus strand). Cytogenetic location: 16q13.
Variant type: single nucleotide variant.
Coding change: c.647G>A on transcript NM_001126108.2 (MANE Select); coding-DNA position 647, G replaced by A.
Protein change: p.Gly216Glu; replaces glycine 216 with glutamic acid.
Molecular consequence: missense variant.
Genome position (GRCh38, 1-based): chr16:56,870,141, G>A. VCF-style: chr16-56870141-G-A. GRCh37 (hg19) VCF-style: chr16-56904053-G-A.
Other names: c.647G>A, p.Gly216Glu (NM_000339.3); c.644G>A, p.Gly215Glu (NM_001126107.2, NM_001410896.1); short protein forms G216E, G215E.
Identifiers: ClinVar variation 2736345 (VCV002736345.3), dbSNP rs2543481405, ClinGen allele CA395981758.
Genomic context (GRCh38, chr16:56,870,141, plus strand): 5'-GCTCTGCCCTGATAGGTGGCACCTACTTCCTCATCTCCCGGAGTCTGGGCCCAGAGCTTG[G>A]GGGCTCCATCGGCCTCATTTTCGCTTTCGCCAATGCCGTGGGTGTGGCCATGCACACGGT-3'
Protein context (NP_001119580.2, residues 206-226): LISRSLGPEL[Gly216Glu]GSIGLIFAFA